The following is an entry in ClinVar:

ClinVar aggregate classification (germline): Uncertain significance (1 of 4 stars; one submission).

Conditions:
Desmin-related myofibrillar myopathy (MFM1). Also called: Desminopathy; Desmin related myopathy (former name); Desmin storage myopathy (former name); Myofibrillar myopathy 1; MYOFIBRILLAR MYOPATHY WITH ARRHYTHMOGENIC RIGHT VENTRICULAR CARDIOMYOPATHY; DESMIN-RELATED MYOPATHY WITH ARRHYTHMOGENIC RIGHT VENTRICULAR CARDIOMYOPATHY. Identifiers: Orphanet 363543, Orphanet 98909, MedGen C1832370, MONDO:0011076, OMIM 601419.

gnomAD v4.1: 3 of 1,614,178 alleles (0.00019%); highest among the groups gnomAD compares: East Asian, 0.0045%; no homozygotes.

Submission:

Labcorp Genetics (formerly Invitae), Labcorp
Classification: Uncertain significance for Desmin-related myofibrillar myopathy. Last evaluated: 2026-01-07. Review status: criteria provided, single submitter. Criteria: Invitae Variant Classification Sherloc (09022015). Collection method: clinical testing. Allele origin: germline.
Comment: This sequence change replaces glutamine, which is neutral and polar, with proline, which is neutral and non-polar, at codon 195 of the DES protein (p.Gln195Pro). This variant is present in population databases (rs761676074, gnomAD 0.03%). This variant has not been reported in the literature in individuals affected with DES-related conditions. Invitae Evidence Modeling of protein sequence and biophysical properties (such as structural, functional, and spatial information, amino acid conservation, physicochemical variation, residue mobility, and thermodynamic stability) indicates that this missense variant is expected to disrupt DES protein function with a positive predictive value of 95%. In summary, the available evidence is currently insufficient to determine the role of this variant in disease. Therefore, it has been classified as a Variant of Uncertain Significance.

NM_001927.4(DES):c.584A>C (p.Gln195Pro)

Gene: DES (desmin; plus strand). Cytogenetic location: 2q35.
Variant type: single nucleotide variant.
Coding change: c.584A>C on transcript NM_001927.4 (MANE Select); coding-DNA position 584, A replaced by C.
Protein change: p.Gln195Pro; replaces glutamine 195 with proline.
Molecular consequence: missense variant. On other transcripts: intron variant (1).
Genome position (GRCh38, 1-based): chr2:219,420,100, A>C. VCF-style: chr2-219420100-A-C. GRCh37 (hg19) VCF-style: chr2-220284822-A-C.
Other names: c.584A>C, p.Gln195Pro (NM_001382708.1, NM_001382709.1, NM_001382710.1 and 2 more transcripts); c.496-425A>C (NM_001382713.1); short protein forms Q195P.
Identifiers: ClinVar variation 4790174 (VCV004790174.1).
Genomic context (GRCh38, chr2:219,420,100, plus strand): 5'-TCCACTGCCAGCTTTATCACCCGCAACTGTCTGTCTTTCTGTCTGTCCCACCCAGGCTGC[A>C]GGAGGAGATTCAGTTGAAGGAAGAAGCAGAGAACAATTTGGCTGCCTTCCGAGCGGTGAG-3'
Protein context (NP_001918.3, residues 185-205): DDLQRLKAKL[Gln195Pro]EEIQLKEEAE